The following is an entry in ClinVar:

NM_138420.4(AHNAK2):c.12901C>T (p.Pro4301Ser)

Gene: AHNAK2 (AHNAK nucleoprotein 2; minus strand). Cytogenetic location: 14q32.33.
Variant type: single nucleotide variant.
Coding change: c.12901C>T on transcript NM_138420.4 (MANE Select); coding-DNA position 12901, C replaced by T.
Protein change: p.Pro4301Ser; replaces proline 4301 with serine.
Molecular consequence: missense variant.
Genome position (GRCh38, 1-based): chr14:104,942,550, G>A on the plus strand (C>T on the coding strand, the complement: AHNAK2 is on the minus strand). VCF-style: chr14-104942550-G-A. GRCh37 (hg19) VCF-style: chr14-105408887-G-A.
Other names: c.12601C>T, p.Pro4201Ser (NM_001350929.2); short protein forms P4301S, P4201S.
Identifiers: ClinVar variation 2591029 (VCV002591029.26), dbSNP rs201567366, ClinGen allele CA7378150.
Genomic context (GRCh38, chr14:104,942,550, plus strand): 5'-ACGAGGCCTCGATGGACTTGCCTGGGGCAGACACCCCGAACGACGGCATCTTGAACTTGG[G>A]CATTTTGAACTTGCTGTCTTTGGCAGTCATGTCCTTGTCGGCTAGGGACAGGTCACCCTC-3'
Protein context (NP_612429.2, residues 4291-4311): MTAKDSKFKM[Pro4301Ser]KFKMPSFGVS

ClinVar aggregate classification (germline): Conflicting classifications of pathogenicity. Review status: criteria provided, conflicting classifications (1 of 4 stars). 2 submissions from 2 submitters: Uncertain significance (1); Likely benign (1). Last evaluated 2023-08-15.

Allele frequency attached by ClinVar (database versions not stated): gnomAD 0.00006; ESP Exome Variant Server 0.00008; TOPMed 0.00012; gnomAD exomes 0.00022; ExAC 0.00034.

Submissions (2):

Ambry Genetics
Classification: Uncertain significance. Last evaluated: 2023-08-15. Review status: criteria provided, single submitter. Criteria: Ambry Variant Classification Scheme 2023. Collection method: clinical testing. Allele origin: germline.

CeGaT Center for Human Genetics Tuebingen
Classification: Likely benign. Last evaluated: 2022-03-01. Review status: criteria provided, single submitter. Criteria: CeGaT Center For Human Genetics Tuebingen Variant Classification Criteria Version 2. Collection method: clinical testing. Allele origin: germline. Affected: yes. Observed: 1 variant allele.
Comment: AHNAK2: BP4